The following is an entry in ClinVar:

NM_001099922.3(ALG13):c.2623A>G (p.Ser875Gly)

Gene: ALG13 (ALG13 UDP-N-acetylglucosaminyltransferase subunit; plus strand). Cytogenetic location: Xq23.
Variant type: single nucleotide variant.
Coding change: c.2623A>G on transcript NM_001099922.3 (MANE Select); coding-DNA position 2623, A replaced by G.
Protein change: p.Ser875Gly; replaces serine 875 with glycine.
Molecular consequence: missense variant. On other transcripts: non-coding transcript variant (1).
Genome position (GRCh38, 1-based): chrX:111,736,807, A>G. VCF-style: chrX-111736807-A-G. GRCh37 (hg19) VCF-style: chrX-110980035-A-G.
Other names: c.2311A>G, p.Ser771Gly (NM_001257230.2, NM_001257234.2, NM_001257237.2); c.2389A>G, p.Ser797Gly (NM_001257231.2); c.2623A>G, p.Ser875Gly (NM_001324292.2); c.2137A>G, p.Ser713Gly (NM_001324293.1); short protein forms S771G, S797G, S713G, S875G.
Identifiers: ClinVar variation 2876893 (VCV002876893.3), dbSNP rs1326546043, ClinGen allele CA414254494.

ClinVar aggregate classification (germline): Uncertain significance (1 of 4 stars; one submission).

Conditions:
Developmental and epileptic encephalopathy, 36 (DEE36). Also called: ALG13-CDG; Epileptic encephalopathy, early infantile, 36; Congenital disorder of glycosylation, type Is. Identifiers: Orphanet 324422, MedGen C4317295, MONDO:0010472, OMIM 300884.

Allele frequency attached by ClinVar (database versions not stated): gnomAD exomes below 0.00001.
gnomAD v4.1: 1 of 1,210,423 alleles (0.000083%); no homozygotes.

Submission:

Labcorp Genetics (formerly Invitae), Labcorp
Classification: Uncertain significance for Developmental and epileptic encephalopathy, 36. Last evaluated: 2022-11-02. Review status: criteria provided, single submitter. Criteria: Invitae Variant Classification Sherloc (09022015). Collection method: clinical testing. Allele origin: germline.
Comment: In summary, the available evidence is currently insufficient to determine the role of this variant in disease. Therefore, it has been classified as a Variant of Uncertain Significance. Advanced modeling of protein sequence and biophysical properties (such as structural, functional, and spatial information, amino acid conservation, physicochemical variation, residue mobility, and thermodynamic stability) performed at Invitae indicates that this missense variant is not expected to disrupt ALG13 protein function. This variant has not been reported in the literature in individuals affected with ALG13-related conditions. The frequency data for this variant in the population databases is considered unreliable, as metrics indicate poor data quality at this position in the gnomAD database. This sequence change replaces serine, which is neutral and polar, with glycine, which is neutral and non-polar, at codon 875 of the ALG13 protein (p.Ser875Gly).